The following is an entry in ClinVar:

ClinVar aggregate classification (germline): Pathogenic (1 of 4 stars; one submission).

Submission:

GeneDx
Classification: Pathogenic. Last evaluated: 2016-02-18. Review status: criteria provided, single submitter. Criteria: GeneDx Variant Classification (06012015). Collection method: clinical testing. Allele origin: germline. Affected: yes.
Comment: Although the c.712delG pathogenic variant in the ENG gene has not been reported to our knowledge, this variantcauses a shift in reading frame starting at codon Valine 238, changing it to a Tryptophan, and creating a prematurestop codon at position 3 of the new reading frame, denoted p.Val238TrpfsX3. This variant is expected to result ineither an abnormal, truncated protein product or loss of protein from this allele through nonsense-mediated mRNAdecay. Multiple other downstream frameshift variants in the ENG gene have been reported in HGMD in associationwith HHT (Stenson et al., 2014). Furthermore, the c.712delG variant was not observed in approximately 6,500individuals of European and African American ancestry in the NHLBI Exome Sequencing Project, indicating it is nota common benign variant in these populations.In summary, c.712delG in the ENG gene is interpreted as a pathogenic variant.

NM_001114753.3(ENG):c.712del (p.Val238fs)

Gene: ENG (endoglin; minus strand). Cytogenetic location: 9q34.11.
Variant type: Deletion.
Coding change: c.712del on transcript NM_001114753.3 (MANE Select); coding-DNA position 712, one base deleted (G; older notation c.712delG).
Protein change: p.Val238fs; shifts the reading frame from valine 238.
Molecular consequence: frameshift variant.
Genome position (GRCh38, 1-based): chr9:127,825,335, C deleted on the plus strand (G on the coding strand, the reverse complement: ENG is on the minus strand); the first of 2 consecutive C bases (chr9:127,825,335-127,825,336); deleting either gives the same sequence. VCF-style (leftmost placement, unchanged base first): chr9-127825334-AC-A. GRCh37 (hg19) VCF-style: chr9-130587613-AC-A.
Other names: c.711delG, p.Val238Trpfs (NM_000118.4, NM_001406715.1); c.166del, p.Val56fs (NM_001278138.2); short protein forms V56fs, V238fs.
Identifiers: ClinVar variation 280319 (VCV000280319.4), dbSNP rs886041548, ClinGen allele CA10603150.
Genomic context (GRCh38, chr9:127,825,334, plus strand): 5'-TAGGGGGGACCCTGCAGGATGAGGACGGCATCGAGATCCCCGGGTGCGCAGCTCAGTTCC[AC>A]CTTCACCGTCACCGTCCGGGGCCTGCGGGGAGACAGACGCGGATGGAACACTGAAGCGGA-3'